The following is an entry in ClinVar:

NM_001267550.2(TTN):c.69096T>C (p.His23032=)

Genes: TTN (titin; minus strand), TTN-AS1 (TTN antisense RNA 1; plus strand). Cytogenetic location: 2q31.2.
Variant type: single nucleotide variant.
Coding change: c.69096T>C on transcript NM_001267550.2 (MANE Select); coding-DNA position 69096, T replaced by C.
Protein change: p.His23032=; no amino-acid change (histidine 23032 retained).
Molecular consequence: synonymous variant.
Genome position (GRCh38, 1-based): chr2:178,577,239, A>G on the plus strand (T>C on the coding strand, the complement: TTN is on the minus strand). VCF-style: chr2-178577239-A-G. GRCh37 (hg19) VCF-style: chr2-179441966-A-G.
Other names: c.64173T>C, p.His21391= (NM_001256850.1); c.41901T>C, p.His13967= (NM_003319.4); c.61392T>C, p.His20464= (NM_133378.4); c.42276T>C, p.His14092= (NM_133432.3); c.42477T>C, p.His14159= (NM_133437.4).
Identifiers: ClinVar variation 1161064 (VCV001161064.27), dbSNP rs1374973500, ClinGen allele CA430259061.

ClinVar aggregate classification (germline): Likely benign. Review status: criteria provided, multiple submitters, no conflicts (2 of 4 stars). 3 submissions from 3 submitters: Likely benign (3). Last evaluated 2024-07-01.

Conditions:
Cardiovascular phenotype. Identifiers: MedGen CN230736.
Dilated cardiomyopathy 1G (CMD1G). Identifiers: Orphanet 154, MedGen C1858763, MONDO:0011400, OMIM 604145.
Autosomal recessive limb-girdle muscular dystrophy type 2J (LGMDR10). Also called: MUSCULAR DYSTROPHY, LIMB-GIRDLE, AUTOSOMAL RECESSIVE 10; Limb-girdle muscular dystrophy, type 2J. Identifiers: Orphanet 140922, MedGen C1837342, MONDO:0012127, OMIM 608807.

Allele frequency attached by ClinVar (database versions not stated): TOPMed below 0.00001.
gnomAD v4.1: 1 of 1,612,968 alleles (0.000062%); highest among the groups gnomAD compares: African/African-American, 0.0013%; no homozygotes.

Submissions (3):

CeGaT Center for Human Genetics Tuebingen
Classification: Likely benign. Last evaluated: 2024-07-01. Review status: criteria provided, single submitter. Criteria: CeGaT Center For Human Genetics Tuebingen Variant Classification Criteria Version 2. Collection method: clinical testing. Allele origin: germline. Affected: yes. Observed: 1 variant allele.
Comment: TTN: PM2:Supporting, BP4, BP7

Ambry Genetics
Classification: Likely benign for Cardiovascular phenotype. Last evaluated: 2023-04-13. Review status: criteria provided, single submitter. Criteria: Ambry Variant Classification Scheme 2023. Collection method: clinical testing. Allele origin: germline.

Labcorp Genetics (formerly Invitae), Labcorp
Classification: Likely benign for Dilated cardiomyopathy 1G; Autosomal recessive limb-girdle muscular dystrophy type 2J. Last evaluated: 2020-01-23. Review status: criteria provided, single submitter. Criteria: Invitae Variant Classification Sherloc (09022015). Collection method: clinical testing. Allele origin: germline.